The following is an entry in ClinVar:

ClinVar aggregate classification (germline): Uncertain significance (1 of 4 stars; one submission).

Conditions:
Glycine encephalopathy. Also called: Non-ketotic hyperglycinemia; Nonketotic hyperglycinemia. Identifiers: Orphanet 407, MedGen C0751748, MONDO:0011612, HP:0008288.

Submission:

Labcorp Genetics (formerly Invitae), Labcorp
Classification: Uncertain significance for Glycine encephalopathy. Last evaluated: 2021-09-24. Review status: criteria provided, single submitter. Criteria: Invitae Variant Classification Sherloc (09022015). Collection method: clinical testing. Allele origin: germline.
Comment: This sequence change replaces lysine with glutamine at codon 238 of the GLDC protein (p.Lys238Gln). The lysine residue is moderately conserved and there is a small physicochemical difference between lysine and glutamine. This variant is not present in population databases (ExAC no frequency). This variant has not been reported in the literature in individuals with GLDC-related conditions. Algorithms developed to predict the effect of missense changes on protein structure and function (SIFT, PolyPhen-2, Align-GVGD) all suggest that this variant is likely to be tolerated, but these predictions have not been confirmed by published functional studies and their clinical significance is uncertain. Algorithms developed to predict the effect of sequence changes on RNA splicing suggest that this variant may disrupt the consensus splice site, but this prediction has not been confirmed by published transcriptional studies. In summary, the available evidence is currently insufficient to determine the role of this variant in disease. Therefore, it has been classified as a Variant of Uncertain Significance.

NM_000170.3(GLDC):c.712A>C (p.Lys238Gln)

Gene: GLDC (glycine decarboxylase; minus strand). Cytogenetic location: 9p24.1.
Variant type: single nucleotide variant.
Coding change: c.712A>C on transcript NM_000170.3 (MANE Select); coding-DNA position 712, A replaced by C.
Protein change: p.Lys238Gln; replaces lysine 238 with glutamine.
Molecular consequence: missense variant.
Genome position (GRCh38, 1-based): chr9:6,606,593, T>G on the plus strand (A>C on the coding strand, the complement: GLDC is on the minus strand). VCF-style: chr9-6606593-T-G. GRCh37 (hg19) VCF-style: chr9-6606593-T-G.
Other names: short protein forms K238Q.
Identifiers: ClinVar variation 1438701 (VCV001438701.5), dbSNP rs2129903388, ClinGen allele CA372897347.